The following is an entry in ClinVar:

ClinVar aggregate classification (germline): Uncertain significance. Review status: criteria provided, multiple submitters, no conflicts (2 of 4 stars). 2 submissions from 2 submitters: Uncertain significance (2). Last evaluated 2024-01-15.

Allele frequency attached by ClinVar (database versions not stated): gnomAD exomes below 0.00001 and 0.00001; ExAC 0.00002; TOPMed 0.00002; gnomAD 0.00003 and 0.00004.

Submissions (2):

Labcorp Genetics (formerly Invitae), Labcorp
Classification: Uncertain significance. Last evaluated: 2024-01-15. Review status: criteria provided, single submitter. Criteria: Invitae Variant Classification Sherloc (09022015). Collection method: clinical testing. Allele origin: germline.
Comment: This sequence change falls in intron 5 of the TPP1 gene. It does not directly change the encoded amino acid sequence of the TPP1 protein. It affects a nucleotide within the consensus splice site. This variant is present in population databases (rs748156385, gnomAD 0.01%). This variant has not been reported in the literature in individuals affected with TPP1-related conditions. ClinVar contains an entry for this variant (Variation ID: 1197843). Variants that disrupt the consensus splice site are a relatively common cause of aberrant splicing (PMID: 17576681, 9536098). Algorithms developed to predict the effect of sequence changes on RNA splicing suggest that this variant is not likely to affect RNA splicing. In summary, the available evidence is currently insufficient to determine the role of this variant in disease. Therefore, it has been classified as a Variant of Uncertain Significance.

GeneDx
Classification: Uncertain significance. Last evaluated: 2021-02-12. Review status: criteria provided, single submitter. Criteria: GeneDx Variant Classification Process June 2021. Collection method: clinical testing. Allele origin: germline. Affected: yes.
Comment: Not observed at a significant frequency in large population cohorts (Lek et al., 2016); Has not been previously published as pathogenic or benign to our knowledge; In-silico analysis is inconclusive as to whether the variant alters gene splicing. In the absence of RNA/functional studies, the actual effect of this sequence change is unknown.

Literature cited by the submitters: PubMed 17576681 (cited by Labcorp Genetics (formerly Invitae), Labcorp); PubMed 9536098 (cited by Labcorp Genetics (formerly Invitae), Labcorp).

NM_000391.4(TPP1):c.509-3C>T

Gene: TPP1 (tripeptidyl peptidase 1; minus strand). Cytogenetic location: 11p15.4.
Variant type: single nucleotide variant.
Coding change: c.509-3C>T on transcript NM_000391.4 (MANE Select); 3 bases into the intron before coding-DNA position 509, C replaced by T.
Molecular consequence: intron variant.
Genome position (GRCh38, 1-based): chr11:6,617,156, G>A on the plus strand (C>T on the coding strand, the complement: TPP1 is on the minus strand). VCF-style: chr11-6617156-G-A. GRCh37 (hg19) VCF-style: chr11-6638387-G-A.
Identifiers: ClinVar variation 1197843 (VCV001197843.6), dbSNP rs748156385, ClinGen allele CA5858906.